The following is an entry in ClinVar:

NM_005228.5(EGFR):c.1178A>C (p.Asp393Ala)

Genes: EGFR (epidermal growth factor receptor; plus strand), LOC126860048 (P300/CBP strongly-dependent group 1 enhancer GRCh37_chr7:55223847-55225046; plus strand). Cytogenetic location: 7p11.2.
Variant type: single nucleotide variant.
Coding change: c.1178A>C on transcript NM_005228.5 (MANE Select); coding-DNA position 1178, A replaced by C.
Protein change: p.Asp393Ala; replaces aspartic acid 393 with alanine.
Molecular consequence: missense variant.
Genome position (GRCh38, 1-based): chr7:55,156,803, A>C. VCF-style: chr7-55156803-A-C. GRCh37 (hg19) VCF-style: chr7-55224496-A-C.
Other names: c.1043A>C, p.Asp348Ala (NM_001346897.2, NM_001346899.2); c.1178A>C, p.Asp393Ala (NM_001346898.2, NM_201282.2, NM_201283.2 and 1 more transcripts); c.1019A>C, p.Asp340Ala (NM_001346900.2); c.377A>C, p.Asp126Ala (NM_001346941.2); short protein forms D126A, D340A, D348A, D393A.
Identifiers: ClinVar variation 1348863 (VCV001348863.8), dbSNP rs2128938739, ClinGen allele CA367578636.

ClinVar aggregate classification (germline): Uncertain significance (1 of 4 stars; one submission).

Conditions:
EGFR-related lung cancer (EGFR). Identifiers: MedGen CN130014.

Submission:

Labcorp Genetics (formerly Invitae), Labcorp
Classification: Uncertain significance for EGFR-related lung cancer. Last evaluated: 2020-11-17. Review status: criteria provided, single submitter. Criteria: Invitae Variant Classification Sherloc (09022015). Collection method: clinical testing. Allele origin: germline.
Comment: This variant is not present in population databases (ExAC no frequency). This sequence change replaces aspartic acid with alanine at codon 393 of the EGFR protein (p.Asp393Ala). The aspartic acid residue is weakly conserved and there is a moderate physicochemical difference between aspartic acid and alanine. This variant has not been reported in the literature in individuals with EGFR-related conditions. In summary, the available evidence is currently insufficient to determine the role of this variant in disease. Therefore, it has been classified as a Variant of Uncertain Significance. Algorithms developed to predict the effect of missense changes on protein structure and function (SIFT, PolyPhen-2, Align-GVGD) all suggest that this variant is likely to be tolerated, but these predictions have not been confirmed by published functional studies and their clinical significance is uncertain.